The following is an entry in ClinVar:

NM_004380.3(CREBBP):c.5100G>A (p.Gln1700=)

Gene: CREBBP (CREB binding lysine acetyltransferase; minus strand). Cytogenetic location: 16p13.3.
Variant type: single nucleotide variant.
Coding change: c.5100G>A on transcript NM_004380.3 (MANE Select); coding-DNA position 5100, G replaced by A.
Protein change: p.Gln1700=; no amino-acid change (glutamine 1700 retained).
Molecular consequence: synonymous variant.
Genome position (GRCh38, 1-based): chr16:3,731,264, C>T on the plus strand (G>A on the coding strand, the complement: CREBBP is on the minus strand). VCF-style: chr16-3731264-C-T. GRCh37 (hg19) VCF-style: chr16-3781265-C-T.
Other names: c.4986G>A, p.Gln1662= (NM_001079846.1).
Identifiers: ClinVar variation 3347768 (VCV003347768.1).

ClinVar aggregate classification (germline): Likely benign (0 of 4 stars; one submission).

Conditions:
CREBBP-related disorder. Also called: CREBBP-related condition; CREBBP-related disorders.

Submission:

PreventionGenetics, part of Exact Sciences
Classification: Likely benign for CREBBP-related condition. Last evaluated: 2024-05-07. Review status: no assertion criteria provided. Collection method: clinical testing. Allele origin: germline.
Comment: This variant is classified as likely benign based on ACMG/AMP sequence variant interpretation guidelines (Richards et al. 2015 PMID: 25741868, with internal and published modifications).